The following is an entry in ClinVar:

ClinVar aggregate classification (germline): Uncertain significance. Review status: criteria provided, multiple submitters, no conflicts (2 of 4 stars). 2 submissions from 2 submitters: Uncertain significance (2). Last evaluated 2025-04-18.

Conditions:
POLD1-related polyposis and colorectal cancer syndrome (CRCS10). Also called: Colorectal cancer 10; COLORECTAL CANCER, SUSCEPTIBILITY TO, ON CHROMOSOME 19q; Colorectal cancer, susceptibility to, 10. Identifiers: Orphanet 220460, MedGen C2675481, MONDO:0012953, OMIM 612591.
Hereditary cancer-predisposing syndrome. Also called: Neoplastic Syndromes, Hereditary; Tumor predisposition; Hereditary Cancer Syndrome; Hereditary neoplastic syndrome. Identifiers: Orphanet 140162, MedGen C0027672, MeSH D009386, MONDO:0015356.

Submissions (2):

Ambry Genetics
Classification: Uncertain significance for Hereditary cancer-predisposing syndrome. Last evaluated: 2025-04-18. Review status: criteria provided, single submitter. Criteria: Ambry Variant Classification Scheme 2023. Collection method: clinical testing. Allele origin: germline.
Comment: The p.R1082L variant (also known as c.3245G>T), located in coding exon 26 of the POLD1 gene, results from a G to T substitution at nucleotide position 3245. The arginine at codon 1082 is replaced by leucine, an amino acid with dissimilar properties. This amino acid position is conserved. In addition, the in silico prediction for this alteration is inconclusive. Based on the available evidence, the clinical significance of this variant remains unclear.

Labcorp Genetics (formerly Invitae), Labcorp
Classification: Uncertain significance for POLD1-related polyposis and colorectal cancer syndrome. Last evaluated: 2024-07-16. Review status: criteria provided, single submitter. Criteria: Invitae Variant Classification Sherloc (09022015). Collection method: clinical testing. Allele origin: germline.
Comment: This sequence change replaces arginine, which is basic and polar, with leucine, which is neutral and non-polar, at codon 1082 of the POLD1 protein (p.Arg1082Leu). This variant is not present in population databases (gnomAD no frequency). This variant has not been reported in the literature in individuals affected with POLD1-related conditions. ClinVar contains an entry for this variant (Variation ID: 1482370). Advanced modeling of protein sequence and biophysical properties (such as structural, functional, and spatial information, amino acid conservation, physicochemical variation, residue mobility, and thermodynamic stability) performed at Invitae indicates that this missense variant is expected to disrupt POLD1 protein function with a positive predictive value of 80%. In summary, the available evidence is currently insufficient to determine the role of this variant in disease. Therefore, it has been classified as a Variant of Uncertain Significance.

NM_002691.4(POLD1):c.3245G>T (p.Arg1082Leu)

Gene: POLD1 (DNA polymerase delta 1, catalytic subunit; plus strand). Cytogenetic location: 19q13.33.
Variant type: single nucleotide variant.
Coding change: c.3245G>T on transcript NM_002691.4 (MANE Select); coding-DNA position 3245, G replaced by T.
Protein change: p.Arg1082Leu; replaces arginine 1082 with leucine.
Molecular consequence: missense variant. On other transcripts: non-coding transcript variant (1).
Genome position (GRCh38, 1-based): chr19:50,417,868, G>T. VCF-style: chr19-50417868-G-T. GRCh37 (hg19) VCF-style: chr19-50921125-G-T.
Other names: c.3245G>T (NM_002691.2); c.3245G>T, p.Arg1082Leu (NM_001256849.1); c.3323G>T, p.Arg1108Leu (NM_001308632.1); short protein forms R1082L, R1108L.
Identifiers: ClinVar variation 1482370 (VCV001482370.7), dbSNP rs1601254052, ClinGen allele CA406987753.